The following is an entry in ClinVar:

ClinVar aggregate classification (germline): Uncertain significance. Review status: criteria provided, multiple submitters, no conflicts (2 of 4 stars). 2 submissions from 2 submitters: Uncertain significance (2). Last evaluated 2025-12-10.

Conditions:
Hypertrophic cardiomyopathy. Also called: HYPERTROPHIC MYOCARDIOPATHY. Identifiers: Orphanet 217569, MedGen C0007194, MeSH D002312, MONDO:0005045, HP:0001639.

Allele frequency attached by ClinVar (database versions not stated): TOPMed below 0.00001; gnomAD 0.00001; 1000 Genomes Project 30x 0.00016; 1000 Genomes Project 0.00020.
gnomAD v4.1: 7 of 1,613,686 alleles (0.00043%); highest among the groups gnomAD compares: South Asian, 0.0055%; no homozygotes.

Submissions (2):

Ambry Genetics
Classification: Uncertain significance. Last evaluated: 2025-12-10. Review status: criteria provided, single submitter. Criteria: Ambry Variant Classification Scheme 2023. Collection method: clinical testing. Allele origin: germline.
Comment: The p.N170Y variant (also known as c.508A>T), located in coding exon 3 of the MYOM1 gene, results from an A to T substitution at nucleotide position 508. The asparagine at codon 170 is replaced by tyrosine, an amino acid with dissimilar properties. This amino acid position is conserved. In addition, this alteration is predicted to be tolerated by in silico analysis. Based on the available evidence, the clinical significance of this variant remains unclear.

Labcorp Genetics (formerly Invitae), Labcorp
Classification: Uncertain significance for Hypertrophic cardiomyopathy. Last evaluated: 2022-04-25. Review status: criteria provided, single submitter. Criteria: Invitae Variant Classification Sherloc (09022015). Collection method: clinical testing. Allele origin: germline.
Comment: In summary, the available evidence is currently insufficient to determine the role of this variant in disease. Therefore, it has been classified as a Variant of Uncertain Significance. Algorithms developed to predict the effect of missense changes on protein structure and function (SIFT, PolyPhen-2, Align-GVGD) all suggest that this variant is likely to be tolerated. This variant has not been reported in the literature in individuals affected with MYOM1-related conditions. This variant is present in population databases (rs576602622, gnomAD 0.006%). This sequence change replaces asparagine, which is neutral and polar, with tyrosine, which is neutral and polar, at codon 170 of the MYOM1 protein (p.Asn170Tyr).

NM_003803.4(MYOM1):c.508A>T (p.Asn170Tyr)

Gene: MYOM1 (myomesin 1; minus strand). Cytogenetic location: 18p11.31.
Variant type: single nucleotide variant.
Coding change: c.508A>T on transcript NM_003803.4 (MANE Select); coding-DNA position 508, A replaced by T.
Protein change: p.Asn170Tyr; replaces asparagine 170 with tyrosine.
Molecular consequence: missense variant.
Genome position (GRCh38, 1-based): chr18:3,189,011, T>A on the plus strand (A>T on the coding strand, the complement: MYOM1 is on the minus strand). VCF-style: chr18-3189011-T-A. GRCh37 (hg19) VCF-style: chr18-3189009-T-A.
Other names: c.508A>T, p.Asn170Tyr (NM_019856.2); short protein forms N170Y.
Identifiers: ClinVar variation 2166679 (VCV002166679.5), dbSNP rs576602622, ClinGen allele CA8875230.
Genomic context (GRCh38, chr18:3,189,011, plus strand): 5'-TCTGCTTGGATGCCGTGGACTGTTTAGATGTTGTGATTCCTTCCTCACTAGCAAGAAGAT[T>A]CCTCTGGGCTATATAAGCAGCAGCTTCTTTAATTCTTTCTTCTTCCGTATCAGTAATTCC-3'
Protein context (NP_003794.3, residues 160-180): KEAAAYIAQR[Asn170Tyr]LLASEEGITT